The following is an entry in ClinVar:

NM_006231.4(POLE):c.2995C>G (p.Leu999Val)

Gene: POLE (DNA polymerase epsilon, catalytic subunit; minus strand). Cytogenetic location: 12q24.33.
Variant type: single nucleotide variant.
Coding change: c.2995C>G on transcript NM_006231.4 (MANE Select); coding-DNA position 2995, C replaced by G.
Protein change: p.Leu999Val; replaces leucine 999 with valine.
Molecular consequence: missense variant.
Genome position (GRCh38, 1-based): chr12:132,661,034, G>C on the plus strand (C>G on the coding strand, the complement: POLE is on the minus strand). VCF-style: chr12-132661034-G-C. GRCh37 (hg19) VCF-style: chr12-133237620-G-C.
Other names: c.2995C>G (NM_006231.2); short protein forms L999V.
Identifiers: ClinVar variation 2789988 (VCV002789988.4), dbSNP rs2138689856, ClinGen allele CA387392345.

ClinVar aggregate classification (germline): Uncertain significance. Review status: criteria provided, multiple submitters, no conflicts (2 of 4 stars). 2 submissions from 2 submitters: Uncertain significance (2). Last evaluated 2024-06-07.

Conditions:
Hereditary cancer-predisposing syndrome. Also called: Hereditary neoplastic syndrome; Neoplastic Syndromes, Hereditary; Tumor predisposition; Hereditary Cancer Syndrome. Identifiers: Orphanet 140162, MedGen C0027672, MeSH D009386, MONDO:0015356.

Submissions (2):

Ambry Genetics
Classification: Uncertain significance for Hereditary cancer-predisposing syndrome. Last evaluated: 2024-06-07. Review status: criteria provided, single submitter. Criteria: Ambry Variant Classification Scheme 2023. Collection method: clinical testing. Allele origin: germline.
Comment: The p.L999V variant (also known as c.2995C>G), located in coding exon 25 of the POLE gene, results from a C to G substitution at nucleotide position 2995. The leucine at codon 999 is replaced by valine, an amino acid with highly similar properties. This amino acid position is conserved. In addition, this alteration is predicted to be tolerated by in silico analysis. Based on the available evidence, the clinical significance of this variant remains unclear.

Labcorp Genetics (formerly Invitae), Labcorp
Classification: Uncertain significance. Last evaluated: 2023-07-30. Review status: criteria provided, single submitter. Criteria: Invitae Variant Classification Sherloc (09022015). Collection method: clinical testing. Allele origin: germline.
Comment: This variant is not present in population databases (gnomAD no frequency). In summary, the available evidence is currently insufficient to determine the role of this variant in disease. Therefore, it has been classified as a Variant of Uncertain Significance. Advanced modeling of protein sequence and biophysical properties (such as structural, functional, and spatial information, amino acid conservation, physicochemical variation, residue mobility, and thermodynamic stability) performed at Invitae indicates that this missense variant is expected to disrupt POLE protein function. This variant has not been reported in the literature in individuals affected with POLE-related conditions. This sequence change replaces leucine, which is neutral and non-polar, with valine, which is neutral and non-polar, at codon 999 of the POLE protein (p.Leu999Val).